The following is an entry in ClinVar:

ClinVar aggregate classification (germline): Uncertain significance (1 of 4 stars; one submission).

Allele frequency attached by ClinVar (database versions not stated): gnomAD 0.00001; gnomAD exomes 0.00001 and 0.00002; TOPMed 0.00001; ExAC 0.00002.
gnomAD v4.1: 15 of 1,613,896 alleles (0.00093%); highest among the groups gnomAD compares: Admixed American, 0.0017%; no homozygotes.

Submission:

Labcorp Genetics (formerly Invitae), Labcorp
Classification: Uncertain significance. Last evaluated: 2021-07-08. Review status: criteria provided, single submitter. Criteria: Invitae Variant Classification Sherloc (09022015). Collection method: clinical testing. Allele origin: germline.
Comment: This sequence change affects codon 72 of the TF mRNA. It is a 'silent' change, meaning that it does not change the encoded amino acid sequence of the TF protein. This variant also falls at the last nucleotide of exon 2, which is part of the consensus splice site for this exon. This variant is present in population databases (rs781774389, ExAC 0.003%). This variant has not been reported in the literature in individuals affected with TF-related conditions. Nucleotide substitutions within the consensus splice site are a relatively common cause of aberrant splicing (PMID: 17576681, 9536098). Algorithms developed to predict the effect of sequence changes on RNA splicing suggest that this variant may disrupt the consensus splice site. In summary, the available evidence is currently insufficient to determine the role of this variant in disease. Therefore, it has been classified as a Variant of Uncertain Significance.

Literature cited by the submitters: PubMed 17576681; PubMed 9536098.

NM_001063.4(TF):c.216G>A (p.Ala72=)

Gene: TF (transferrin; plus strand). Cytogenetic location: 3q22.1.
Variant type: single nucleotide variant.
Coding change: c.216G>A on transcript NM_001063.4 (MANE Select); coding-DNA position 216, G replaced by A.
Protein change: p.Ala72=; no amino-acid change (alanine 72 retained).
Molecular consequence: synonymous variant. On other transcripts: intron variant (1).
Genome position (GRCh38, 1-based): chr3:133,748,584, G>A. VCF-style: chr3-133748584-G-A. GRCh37 (hg19) VCF-style: chr3-133467428-G-A.
Other names: c.84G>A, p.Ala28= (NM_001354703.2); c.-166+2101G>A (NM_001354704.2).
Identifiers: ClinVar variation 1386092 (VCV001386092.3), dbSNP rs781774389, ClinGen allele CA2624886.